The following is an entry in ClinVar:

ClinVar aggregate classification (germline): Likely pathogenic (1 of 4 stars; one submission).

Conditions:
Niemann-Pick disease, type C1. Also called: NEUROVISCERAL STORAGE DISEASE WITH VERTICAL SUPRANUCLEAR OPHTHALMOPLEGIA; NIEMANN-PICK DISEASE WITH CHOLESTEROL ESTERIFICATION BLOCK; NIEMANN-PICK DISEASE WITHOUT SPHINGOMYELINASE DEFICIENCY; NIEMANN-PICK DISEASE, CHRONIC NEURONOPATHIC FORM; NIEMANN-PICK DISEASE, VARIANT TYPE C1. Identifiers: Orphanet 646, MedGen C3179455, MONDO:0009757, OMIM 257220.

Submission:

Labcorp Genetics (formerly Invitae), Labcorp
Classification: Likely pathogenic for Niemann-Pick disease, type C1. Last evaluated: 2022-07-20. Review status: criteria provided, single submitter. Criteria: Invitae Variant Classification Sherloc (09022015). Collection method: clinical testing. Allele origin: germline.
Comment: In summary, the currently available evidence indicates that the variant is pathogenic, but additional data are needed to prove that conclusively. Therefore, this variant has been classified as Likely Pathogenic. This variant disrupts the p.Pro474 amino acid residue in NPC1. Other variant(s) that disrupt this residue have been determined to be pathogenic (PMID: 12401890, 16086131, 16098014). This suggests that this residue is clinically significant, and that variants that disrupt this residue are likely to be disease-causing. Advanced modeling of protein sequence and biophysical properties (such as structural, functional, and spatial information, amino acid conservation, physicochemical variation, residue mobility, and thermodynamic stability) performed at Invitae indicates that this missense variant is expected to disrupt NPC1 protein function. This missense change has been observed in individual(s) with Niemann-Pick type C (PMID: 23791518). This variant is not present in population databases (gnomAD no frequency). This sequence change replaces proline, which is neutral and non-polar, with alanine, which is neutral and non-polar, at codon 474 of the NPC1 protein (p.Pro474Ala).

Literature cited by the submitters: PubMed 12401890; PubMed 16086131; PubMed 16098014; PubMed 23791518.

NM_000271.5(NPC1):c.1420C>G (p.Pro474Ala)

Gene: NPC1 (NPC intracellular cholesterol transporter 1; minus strand). Cytogenetic location: 18q11.2.
Variant type: single nucleotide variant.
Coding change: c.1420C>G on transcript NM_000271.5 (MANE Select); coding-DNA position 1420, C replaced by G.
Protein change: p.Pro474Ala; replaces proline 474 with alanine.
Molecular consequence: missense variant.
Genome position (GRCh38, 1-based): chr18:23,554,891, G>C on the plus strand (C>G on the coding strand, the complement: NPC1 is on the minus strand). VCF-style: chr18-23554891-G-C. GRCh37 (hg19) VCF-style: chr18-21134855-G-C.
Other names: short protein forms P474A.
Identifiers: ClinVar variation 2138136 (VCV002138136.4), dbSNP rs1040639267, ClinGen allele CA297068266.
Genomic context (GRCh38, chr18:23,554,891, plus strand): 5'-CGGAATGGCTGTTCTGGAAGTAATTTAACACACTCAAAATGGTGCAGTTCGTGTTATACG[G>C]TGAAAGAGGGGCCAAGCAGATGTCTTGAAGTGTCACAGTCTCATTGTCATAAGAGGCAGT-3'
Protein context (NP_000262.2, residues 464-484): LQDICLAPLS[Pro474Ala]YNTNCTILSV